The following is an entry in ClinVar:

NM_031924.8(RSPH3):c.116+3G>A

Gene: RSPH3 (radial spoke head 3; minus strand). Cytogenetic location: 6q25.3.
Variant type: single nucleotide variant.
Coding change: c.116+3G>A on transcript NM_031924.8 (MANE Select); 3 bases into the intron after coding-DNA position 116, G replaced by A.
Molecular consequence: intron variant.
Genome position (GRCh38, 1-based): chr6:158,999,432, C>T on the plus strand (G>A on the coding strand, the complement: RSPH3 is on the minus strand). VCF-style: chr6-158999432-C-T. GRCh37 (hg19) VCF-style: chr6-159420464-C-T.
Other names: c.542+3G>A (NM_001346418.1).
Identifiers: ClinVar variation 542464 (VCV000542464.6), dbSNP rs1554291596, ClinGen allele CA658796875.

ClinVar aggregate classification (germline): Uncertain significance (1 of 4 stars; one submission).

Conditions:
Primary ciliary dyskinesia 32. Also called: CILIARY DYSKINESIA, PRIMARY, 32, WITHOUT SITUS INVERSUS. Identifiers: Orphanet 244, MedGen C4225311, MONDO:0014657, OMIM 616481.

Submission:

Labcorp Genetics (formerly Invitae), Labcorp
Classification: Uncertain significance for Primary ciliary dyskinesia 32. Last evaluated: 2017-08-20. Review status: criteria provided, single submitter. Criteria: Invitae Variant Classification Sherloc (09022015). Collection method: clinical testing. Allele origin: germline.
Comment: In summary, the available evidence is currently insufficient to determine the role of this variant in disease. Therefore, it has been classified as a Variant of Uncertain Significance. Nucleotide substitutions within the consensus splice site are a relatively common cause of aberrant splicing (PMID: 17576681, 9536098). Algorithms developed to predict the effect of sequence changes on RNA splicing suggest that this variant is not likely to affect RNA splicing, but this prediction has not been confirmed by published transcriptional studies. This variant has not been reported in the literature in individuals with RSPH3-related disease. This variant is not present in population databases (ExAC no frequency). This sequence change falls in intron 1 of the RSPH3 gene. It does not directly change the encoded amino acid sequence of the RSPH3 protein, but it affects a nucleotide within the consensus splice site of the intron.

Literature cited by the submitters: PubMed 17576681; PubMed 9536098.